The following is an entry in ClinVar:

ClinVar aggregate classification (germline): Pathogenic (1 of 4 stars; one submission).

Conditions:
Congenital adrenal hyperplasia due to cytochrome P450 oxidoreductase deficiency. Also called: DISORDERED STEROIDOGENESIS DUE TO POR DEFICIENCY. Identifiers: Orphanet 95699, MedGen C1860042, MONDO:0013310, OMIM 613571.

Submission:

Labcorp Genetics (formerly Invitae), Labcorp
Classification: Pathogenic for Congenital adrenal hyperplasia due to cytochrome P450 oxidoreductase deficiency. Last evaluated: 2024-03-14. Review status: criteria provided, single submitter. Criteria: Invitae Variant Classification Sherloc (09022015). Collection method: clinical testing. Allele origin: germline.
Comment: This sequence change creates a premature translational stop signal (p.Met110Ilefs*16) in the POR gene. It is expected to result in an absent or disrupted protein product. Loss-of-function variants in POR are known to be pathogenic (PMID: 14758361, 20732302, 21741353). This variant is not present in population databases (gnomAD no frequency). This variant has not been reported in the literature in individuals affected with POR-related conditions. For these reasons, this variant has been classified as Pathogenic.

Literature cited by the submitters: PubMed 14758361; PubMed 20732302; PubMed 21741353.

NM_001395413.1(POR):c.321del (p.Met107fs)

Gene: POR (cytochrome p450 oxidoreductase; plus strand). Cytogenetic location: 7q11.23.
Variant type: Deletion.
Coding change: c.321del on transcript NM_001395413.1 (MANE Select); coding-DNA position 321, one base deleted (G; older notation c.321delG).
Protein change: p.Met107fs; shifts the reading frame from methionine 107.
Molecular consequence: frameshift variant.
Genome position (GRCh38, 1-based): chr7:75,979,543, G deleted. VCF-style (leftmost placement, unchanged base first): chr7-75979542-TG-T. GRCh37 (hg19) VCF-style: chr7-75608860-TG-T.
Other names: c.321del, p.Met107fs (NM_001367562.3, NM_001382657.2, NM_001382658.3 and 2 more transcripts); c.375del, p.Met125fs (NM_001382655.3); short protein forms M125fs, M107fs.
Identifiers: ClinVar variation 3645987 (VCV003645987.2).